The following is an entry in ClinVar:

NM_001040108.2(MLH3):c.124G>A (p.Ala42Thr)

Gene: MLH3 (mutL homolog 3; minus strand). Cytogenetic location: 14q24.3.
Variant type: single nucleotide variant.
Coding change: c.124G>A on transcript NM_001040108.2 (MANE Select); coding-DNA position 124, G replaced by A.
Protein change: p.Ala42Thr; replaces alanine 42 with threonine.
Molecular consequence: missense variant.
Genome position (GRCh38, 1-based): chr14:75,049,532, C>T on the plus strand (G>A on the coding strand, the complement: MLH3 is on the minus strand). VCF-style: chr14-75049532-C-T. GRCh37 (hg19) VCF-style: chr14-75516235-C-T.
Other names: c.124G>A, p.Ala42Thr (NM_014381.3); short protein forms A42T.
Identifiers: ClinVar variation 238242 (VCV000238242.19), dbSNP rs748676497, ClinGen allele CA7276093.

ClinVar aggregate classification (germline): Uncertain significance. Review status: criteria provided, multiple submitters, no conflicts (2 of 4 stars). 3 submissions from 3 submitters: Uncertain significance (3). Last evaluated 2025-12-13.

Conditions:
Hereditary nonpolyposis colorectal neoplasms. Identifiers: MedGen C0009405, MeSH D003123.
Colorectal cancer, hereditary nonpolyposis, type 7. Identifiers: Orphanet 144, MedGen C1858380, MONDO:0013725, OMIM 614385.

Allele frequency attached by ClinVar (database versions not stated): ExAC 0.00001; gnomAD 0.00002 and 0.00003; gnomAD exomes 0.00002 and 0.00005; TOPMed 0.00003.
gnomAD v4.1: 78 of 1,614,108 alleles (0.0048%); highest among the groups gnomAD compares: Non-Finnish European, 0.0065%; no homozygotes.

Submissions (3):

Labcorp Genetics (formerly Invitae), Labcorp
Classification: Uncertain significance for Colorectal cancer, hereditary nonpolyposis, type 7. Last evaluated: 2025-12-13. Review status: criteria provided, single submitter. Criteria: Invitae Variant Classification Sherloc (09022015). Collection method: clinical testing. Allele origin: germline.
Comment: This sequence change replaces alanine, which is neutral and non-polar, with threonine, which is neutral and polar, at codon 42 of the MLH3 protein (p.Ala42Thr). This variant is present in population databases (rs748676497, gnomAD 0.006%). This variant has not been reported in the literature in individuals affected with MLH3-related conditions. ClinVar contains an entry for this variant (Variation ID: 238242). An algorithm developed to predict the effect of missense changes on protein structure and function (PolyPhen-2) suggests that this variant is likely to be disruptive. In summary, the available evidence is currently insufficient to determine the role of this variant in disease. Therefore, it has been classified as a Variant of Uncertain Significance.

Ambry Genetics
Classification: Uncertain significance. Last evaluated: 2025-11-26. Review status: criteria provided, single submitter. Criteria: Ambry Variant Classification Scheme 2023. Collection method: clinical testing. Allele origin: germline.
Comment: The p.A42T variant (also known as c.124G>A), located in coding exon 1 of the MLH3 gene, results from a G to A substitution at nucleotide position 124. The alanine at codon 42 is replaced by threonine, an amino acid with similar properties. This amino acid position is well conserved in available vertebrate species. In addition, this alteration is predicted to be tolerated by in silico analysis. Since supporting evidence is limited at this time, the clinical significance of this alteration remains unclear.

Illumina Laboratory Services, Illumina
Classification: Uncertain significance for Colorectal cancer, hereditary nonpolyposis, type 7. Last evaluated: 2018-01-13. Review status: criteria provided, single submitter. Criteria: ICSL Variant Classification Criteria 13 December 2019. Collection method: clinical testing. Allele origin: germline.